The following is an entry in ClinVar:

ClinVar aggregate classification (germline): Uncertain significance (1 of 4 stars; one submission).

Submission:

GeneDx
Classification: Uncertain significance. Last evaluated: 2026-01-21. Review status: criteria provided, single submitter. Criteria: GeneDx Variant Classification Process June 2021. Collection method: clinical testing. Allele origin: germline.
Comment: Not observed at significant frequency in large population cohorts (gnomAD); Frameshift variant predicted to result in abnormal protein length as the last 153 amino acid(s) are replaced with 18 different amino acid(s); Has not been previously published as pathogenic or benign to our knowledge

NM_003107.3(SOX4):c.963_964dup (p.Leu322fs)

Genes: SOX4 (SRY-box transcription factor 4; plus strand), LOC129995966 (ATAC-STARR-seq lymphoblastoid silent region 16986; plus strand). Cytogenetic location: 6p22.3.
Variant type: Duplication.
Coding change: c.963_964dup on transcript NM_003107.3 (MANE Select); coding-DNA positions 963 to 964, 2 bases duplicated (CC; older notation c.963_964dupCC).
Protein change: p.Leu322fs; shifts the reading frame from leucine 322.
Molecular consequence: frameshift variant.
Genome position (GRCh38, 1-based): chr6:21,595,497-21,595,498, CC duplicated; duplicating any 2 consecutive bases within chr6:21,595,494-21,595,498 gives the same sequence; the c. name uses the placement nearest the transcript's 3' end. VCF-style (leftmost placement, unchanged base first): chr6-21595493-A-ACC. GRCh37 (hg19) VCF-style: chr6-21595724-A-ACC.
Other names: short protein forms L322fs.
Identifiers: ClinVar variation 4975446 (VCV004975446.1).